The following is an entry in ClinVar:

ClinVar aggregate classification (germline): Uncertain significance (1 of 4 stars; one submission).

Submission:

CeGaT Center for Human Genetics Tuebingen
Classification: Uncertain significance. Last evaluated: 2026-03-01. Review status: criteria provided, single submitter. Criteria: CeGaT Center For Human Genetics Tuebingen Variant Classification Criteria Version 2. Collection method: clinical testing. Allele origin: germline. Affected: yes. Observed: 1 variant allele.
Comment: RELN: PM2

NM_005045.4(RELN):c.2051G>A (p.Cys684Tyr)

Gene: RELN (reelin; minus strand). Cytogenetic location: 7q22.1.
Variant type: single nucleotide variant.
Coding change: c.2051G>A on transcript NM_005045.4 (MANE Select); coding-DNA position 2051, G replaced by A.
Protein change: p.Cys684Tyr; replaces cysteine 684 with tyrosine.
Molecular consequence: missense variant.
Genome position (GRCh38, 1-based): chr7:103,640,561, C>T on the plus strand (G>A on the coding strand, the complement: RELN is on the minus strand). VCF-style: chr7-103640561-C-T. GRCh37 (hg19) VCF-style: chr7-103281008-C-T.
Other names: c.2051G>A, p.Cys684Tyr (NM_173054.3); short protein forms C684Y.
Identifiers: ClinVar variation 4823567 (VCV004823567.4).